The following is an entry in ClinVar:

ClinVar aggregate classification (germline): Pathogenic (1 of 4 stars; one submission).

Conditions:
Familial cancer of breast. Also called: hereditary breast carcinoma; Hereditary breast cancer; BREAST CANCER, FAMILIAL. Identifiers: Orphanet 227535, MedGen C0346153, MONDO:0016419, OMIM 114480. Disease mechanism: loss of function.

Submission:

Myriad Genetics, Inc.
Classification: Pathogenic for Familial cancer of breast. Last evaluated: 2024-07-10. Review status: criteria provided, single submitter. Criteria: Myriad Autosomal Dominant, Autosomal Recessive and X-Linked Classification Criteria (2023). Collection method: clinical testing. Allele origin: unknown.
Comment: This variant is considered pathogenic. This variant creates a frameshift predicted to result in premature protein truncation.

NM_000051.4(ATM):c.3024del (p.Glu1009fs)

Gene: ATM (ATM serine/threonine kinase; plus strand). Cytogenetic location: 11q22.3.
Variant type: Deletion.
Coding change: c.3024del on transcript NM_000051.4 (MANE Select); coding-DNA position 3024, one base deleted (T; older notation c.3024delT).
Protein change: p.Glu1009fs; shifts the reading frame from glutamic acid 1009.
Molecular consequence: frameshift variant.
Genome position (GRCh38, 1-based): chr11:108,271,353, T deleted. VCF-style (leftmost placement, unchanged base first): chr11-108271352-CT-C. GRCh37 (hg19) VCF-style: chr11-108142079-CT-C.
Other names: c.3024del, p.Glu1009fs (NM_001351834.2); short protein forms E1009fs.
Identifiers: ClinVar variation 3379240 (VCV003379240.1).